The following is an entry in ClinVar:

ClinVar aggregate classification (germline): Uncertain significance (1 of 4 stars; one submission).

Conditions:
Familial thoracic aortic aneurysm and aortic dissection (TAAD). Also called: Thoracic aortic aneurysms and dissections. Identifiers: Orphanet 91387, MedGen C4707243, MONDO:0019625.

Submission:

Labcorp Genetics (formerly Invitae), Labcorp
Classification: Uncertain significance for Familial thoracic aortic aneurysm and aortic dissection. Last evaluated: 2019-08-13. Review status: criteria provided, single submitter. Criteria: Invitae Variant Classification Sherloc (09022015). Collection method: clinical testing. Allele origin: germline.
Comment: This sequence change replaces arginine with leucine at codon 373 of the SMAD3 protein (p.Arg373Leu). The arginine residue is highly conserved and there is a moderate physicochemical difference between arginine and leucine. This variant is not present in population databases (ExAC no frequency). This variant has not been reported in the literature in individuals with SMAD3-related conditions. Algorithms developed to predict the effect of missense changes on protein structure and function are either unavailable or do not agree on the potential impact of this missense change (SIFT: "Deleterious"; PolyPhen-2: "Probably Damaging"; Align-GVGD: "Class C0"). In summary, the available evidence is currently insufficient to determine the role of this variant in disease. Therefore, it has been classified as a Variant of Uncertain Significance.

NM_005902.4(SMAD3):c.1118G>T (p.Arg373Leu)

Gene: SMAD3 (SMAD family member 3; plus strand). Cytogenetic location: 15q22.33.
Variant type: single nucleotide variant.
Coding change: c.1118G>T on transcript NM_005902.4 (MANE Select); coding-DNA position 1118, G replaced by T.
Protein change: p.Arg373Leu; replaces arginine 373 with leucine.
Molecular consequence: missense variant.
Genome position (GRCh38, 1-based): chr15:67,187,473, G>T. VCF-style: chr15-67187473-G-T. GRCh37 (hg19) VCF-style: chr15-67479811-G-T.
Other names: c.803G>T, p.Arg268Leu (NM_001145102.2); c.986G>T, p.Arg329Leu (NM_001145103.2); c.533G>T, p.Arg178Leu (NM_001145104.2); short protein forms R178L, R329L, R268L, R373L.
Identifiers: ClinVar variation 949624 (VCV000949624.1), dbSNP rs1060500766, ClinGen allele CA392958290.